The following is an entry in ClinVar:

NM_006031.6(PCNT):c.9857A>G (p.Asn3286Ser)

Gene: PCNT (pericentrin; plus strand). Cytogenetic location: 21q22.3.
Variant type: single nucleotide variant.
Coding change: c.9857A>G on transcript NM_006031.6 (MANE Select); coding-DNA position 9857, A replaced by G.
Protein change: p.Asn3286Ser; replaces asparagine 3286 with serine.
Molecular consequence: missense variant.
Genome position (GRCh38, 1-based): chr21:46,444,711, A>G. VCF-style: chr21-46444711-A-G. GRCh37 (hg19) VCF-style: chr21-47864624-A-G.
Other names: c.9266A>G, p.Asn3089Ser (NM_001315529.2); short protein forms N3089S, N3286S.
Identifiers: ClinVar variation 4993850 (VCV004993850.1).

ClinVar aggregate classification (germline): Uncertain significance (1 of 4 stars; one submission).

Conditions:
PCNT-related disorder. Also called: PCNT-related condition.

Submission:

PreventionGenetics, part of Exact Sciences
Classification: Uncertain significance for PCNT-related condition. Last evaluated: 2025-08-26. Review status: criteria provided, single submitter. Criteria: ACMG Guidelines, 2015. Collection method: clinical testing. Allele origin: germline.
Comment: The PCNT c.9857A>G variant is predicted to result in the amino acid substitution p.Asn3286Ser. To our knowledge, this variant has not been reported in the literature or in a large population database (gnomAD), indicating this variant is rare. At this time, the clinical significance of this variant is uncertain due to the absence of conclusive functional and genetic evidence.